The following is an entry in ClinVar:

ClinVar aggregate classification (germline): Conflicting classifications of pathogenicity. Review status: criteria provided, conflicting classifications (1 of 4 stars). 2 submissions from 2 submitters: Uncertain significance (1); Likely benign (1). Last evaluated 2023-03-23.

Conditions:
Hereditary cancer-predisposing syndrome. Also called: Neoplastic Syndromes, Hereditary; Tumor predisposition; Hereditary neoplastic syndrome; Hereditary Cancer Syndrome. Identifiers: Orphanet 140162, MedGen C0027672, MeSH D009386, MONDO:0015356.
Hereditary breast ovarian cancer syndrome. Also called: Hereditary breast and ovarian cancer syndrome; Hereditary breast and ovarian cancer syndrome (HBOC); BRCA1- and BRCA2-Associated Hereditary Breast and Ovarian Cancer; Hereditary breast and/or ovarian cancer syndrome; Hereditary breast and ovarian cancer; Breast and ovarian cancer. Identifiers: Orphanet 145, MedGen C0677776, MeSH D061325, MONDO:0003582. Disease mechanism: loss of function.

Submissions (2):

University of Washington Department of Laboratory Medicine, University of Washington
Classification: Likely benign for Hereditary cancer-predisposing syndrome. Last evaluated: 2023-03-23. Review status: criteria provided, single submitter. Criteria: Dines et al. (Genet Med. 2020). Collection method: curation. Allele origin: germline.
Comment: Missense variant in a coldspot region where missense variants are very unlikely to be pathogenic (PMID:31911673).

BRCA2 exon 11 coldspot. Reclassification based on statistical prior probability.

Labcorp Genetics (formerly Invitae), Labcorp
Classification: Uncertain significance for Hereditary breast ovarian cancer syndrome. Last evaluated: 2018-03-23. Review status: criteria provided, single submitter. Criteria: Invitae Variant Classification Sherloc (09022015). Collection method: clinical testing. Allele origin: germline.
Comment: In summary, the available evidence is currently insufficient to determine the role of this variant in disease. Therefore, it has been classified as a Variant of Uncertain Significance. Algorithms developed to predict the effect of missense changes on protein structure and function (SIFT, PolyPhen-2, Align-GVGD) all suggest that this variant is likely to be tolerated, but these predictions have not been confirmed by published functional studies and their clinical significance is uncertain. This variant has not been reported in the literature in individuals with BRCA2-related disease. This variant is not present in population databases (ExAC no frequency). This sequence change replaces alanine with proline at codon 1579 of the BRCA2 protein (p.Ala1579Pro). The alanine residue is moderately conserved and there is a small physicochemical difference between alanine and proline.

NM_000059.4(BRCA2):c.4735G>C (p.Ala1579Pro)

Gene: BRCA2 (BRCA2 DNA repair associated; plus strand). Cytogenetic location: 13q13.1.
Variant type: single nucleotide variant.
Coding change: c.4735G>C on transcript NM_000059.4 (MANE Select); coding-DNA position 4735, G replaced by C.
Protein change: p.Ala1579Pro; replaces alanine 1579 with proline.
Molecular consequence: missense variant.
Genome position (GRCh38, 1-based): chr13:32,339,090, G>C. VCF-style: chr13-32339090-G-C. GRCh37 (hg19) VCF-style: chr13-32913227-G-C.
Other names: short protein forms A1579P.
Identifiers: ClinVar variation 579986 (VCV000579986.10), dbSNP rs1566231045, ClinGen allele CA387783037.
Genomic context (GRCh38, chr13:32,339,090, plus strand): 5'-TTTAGCCATCAATGGGCAAAGACCCTAAAGTACAGAGAGGCCTGTAAAGACCTTGAATTA[G>C]CATGTGAGACCATTGAGATCACAGCTGCCCCAAAGTGTAAAGAAATGCAGAATTCTCTCA-3'
Protein context (NP_000050.3, residues 1569-1589): YREACKDLEL[Ala1579Pro]CETIEITAAP